The following is an entry in ClinVar:

NM_003126.4(SPTA1):c.4969T>G (p.Leu1657Val)

Gene: SPTA1 (spectrin alpha, erythrocytic 1; minus strand). Cytogenetic location: 1q23.1.
Variant type: single nucleotide variant.
Coding change: c.4969T>G on transcript NM_003126.4 (MANE Select); coding-DNA position 4969, T replaced by G.
Protein change: p.Leu1657Val; replaces leucine 1657 with valine.
Molecular consequence: missense variant.
Genome position (GRCh38, 1-based): chr1:158,639,593, A>C on the plus strand (T>G on the coding strand, the complement: SPTA1 is on the minus strand). VCF-style: chr1-158639593-A-C. GRCh37 (hg19) VCF-style: chr1-158609383-A-C.
Other names: short protein forms L1657V.
Identifiers: ClinVar variation 3652497 (VCV003652497.2).

ClinVar aggregate classification (germline): Uncertain significance (1 of 4 stars; one submission).

Submission:

Labcorp Genetics (formerly Invitae), Labcorp
Classification: Uncertain significance. Last evaluated: 2024-06-20. Review status: criteria provided, single submitter. Criteria: Invitae Variant Classification Sherloc (09022015). Collection method: clinical testing. Allele origin: germline.
Comment: This sequence change replaces leucine, which is neutral and non-polar, with valine, which is neutral and non-polar, at codon 1657 of the SPTA1 protein (p.Leu1657Val). This variant is not present in population databases (gnomAD no frequency). This variant has not been reported in the literature in individuals affected with SPTA1-related conditions. Advanced modeling of protein sequence and biophysical properties (such as structural, functional, and spatial information, amino acid conservation, physicochemical variation, residue mobility, and thermodynamic stability) performed at Invitae indicates that this missense variant is not expected to disrupt SPTA1 protein function with a negative predictive value of 80%. In summary, the available evidence is currently insufficient to determine the role of this variant in disease. Therefore, it has been classified as a Variant of Uncertain Significance.